The following is an entry in ClinVar:

NM_001283009.2(RTEL1):c.2813T>C (p.Leu938Pro)

Genes: RTEL1 (regulator of telomere elongation helicase 1; plus strand), RTEL1-TNFRSF6B (RTEL1-TNFRSF6B readthrough (NMD candidate); plus strand). Cytogenetic location: 20q13.33.
Variant type: single nucleotide variant.
Coding change: c.2813T>C on transcript NM_001283009.2 (MANE Select); coding-DNA position 2813, T replaced by C.
Protein change: p.Leu938Pro; replaces leucine 938 with proline.
Molecular consequence: missense variant. On other transcripts: non-coding transcript variant (1).
Genome position (GRCh38, 1-based): chr20:63,692,965, T>C. VCF-style: chr20-63692965-T-C. GRCh37 (hg19) VCF-style: chr20-62324318-T-C.
Other names: c.2144T>C, p.Leu715Pro (NM_001283010.1); c.2813T>C, p.Leu938Pro (NM_016434.4); c.2885T>C, p.Leu962Pro (NM_032957.5); short protein forms L962P, L715P, L938P.
Identifiers: ClinVar variation 2948651 (VCV002948651.3), dbSNP rs1228490813, ClinGen allele CA409683081.

ClinVar aggregate classification (germline): Uncertain significance (1 of 4 stars; one submission).

Conditions:
Dyskeratosis congenita, autosomal recessive 5 (DKCB5). Identifiers: MedGen C3554656, MONDO:0014076, OMIM 615190.
Pulmonary fibrosis and/or bone marrow failure, Telomere-related, 3. Also called: PULMONARY FIBROSIS AND/OR BONE MARROW FAILURE SYNDROME, TELOMERE-RELATED, 3. Identifiers: Orphanet 2032, MedGen C4225346, MONDO:0014613, OMIM 616373.

Allele frequency attached by ClinVar (database versions not stated): gnomAD 0.00001.
gnomAD v4.1: 1 of 1,612,496 alleles (0.000062%); highest among the groups gnomAD compares: Non-Finnish European, 0.000085%; no homozygotes.

Submission:

Labcorp Genetics (formerly Invitae), Labcorp
Classification: Uncertain significance for Dyskeratosis congenita, autosomal recessive 5; Pulmonary fibrosis and/or bone marrow failure, Telomere-related, 3. Last evaluated: 2023-06-06. Review status: criteria provided, single submitter. Criteria: Invitae Variant Classification Sherloc (09022015). Collection method: clinical testing. Allele origin: germline.
Comment: In summary, the available evidence is currently insufficient to determine the role of this variant in disease. Therefore, it has been classified as a Variant of Uncertain Significance. An algorithm developed to predict the effect of missense changes on protein structure and function (PolyPhen-2) suggests that this variant is likely to be tolerated. This variant has not been reported in the literature in individuals affected with RTEL1-related conditions. This variant is present in population databases (no rsID available, gnomAD 0.007%). This sequence change replaces leucine, which is neutral and non-polar, with proline, which is neutral and non-polar, at codon 938 of the RTEL1 protein (p.Leu938Pro).